The following is an entry in ClinVar:

NM_024665.7(TBL1XR1):c.1416+4T>C

Gene: TBL1XR1 (TBL1X/Y related 1; minus strand). Cytogenetic location: 3q26.32.
Variant type: single nucleotide variant.
Coding change: c.1416+4T>C on transcript NM_024665.7 (MANE Select); 4 bases into the intron after coding-DNA position 1416, T replaced by C.
Molecular consequence: intron variant.
Genome position (GRCh38, 1-based): chr3:177,032,967, A>G on the plus strand (T>C on the coding strand, the complement: TBL1XR1 is on the minus strand). VCF-style: chr3-177032967-A-G. GRCh37 (hg19) VCF-style: chr3-176750755-A-G.
Other names: c.1416+4T>C (NM_001374327.1, NM_001321194.3, NM_001321193.3 and 2 more transcripts); c.1155+4T>C (NM_001374330.1, NM_001321195.3).
Identifiers: ClinVar variation 1356207 (VCV001356207.6), dbSNP rs760434778, ClinGen allele CA2709775.

ClinVar aggregate classification (germline): Uncertain significance (1 of 4 stars; one submission).

Conditions:
Pierpont syndrome (PRPTS). Identifiers: Orphanet 487825, MedGen C1865644, MONDO:0011213, OMIM 602342.

Allele frequency attached by ClinVar (database versions not stated): gnomAD exomes 0.00001 and 0.00005; gnomAD 0.00002; TOPMed 0.00002; ExAC 0.00003.
gnomAD v4.1: 20 of 1,567,844 alleles (0.0013%); highest among the groups gnomAD compares: East Asian, 0.036%; no homozygotes.

Submission:

Labcorp Genetics (formerly Invitae), Labcorp
Classification: Uncertain significance for Pierpont syndrome. Last evaluated: 2025-02-16. Review status: criteria provided, single submitter. Criteria: Invitae Variant Classification Sherloc (09022015). Collection method: clinical testing. Allele origin: germline.
Comment: This sequence change falls in intron 14 of the TBL1XR1 gene. It does not directly change the encoded amino acid sequence of the TBL1XR1 protein. It affects a nucleotide within the consensus splice site. This variant is present in population databases (rs760434778, gnomAD 0.07%). This variant has not been reported in the literature in individuals affected with TBL1XR1-related conditions. ClinVar contains an entry for this variant (Variation ID: 1356207). Variants that disrupt the consensus splice site are a relatively common cause of aberrant splicing (PMID: 17576681, 9536098). Algorithms developed to predict the effect of sequence changes on RNA splicing suggest that this variant is not likely to affect RNA splicing. In summary, the available evidence is currently insufficient to determine the role of this variant in disease. Therefore, it has been classified as a Variant of Uncertain Significance.

Literature cited by the submitters: PubMed 17576681; PubMed 9536098.